The following is an entry in ClinVar:

NM_033380.3(COL4A5):c.100C>A (p.Pro34Thr)

Gene: COL4A5 (collagen type IV alpha 5 chain; plus strand). Cytogenetic location: Xq22.3.
Variant type: single nucleotide variant.
Coding change: c.100C>A on transcript NM_033380.3 (MANE Select); coding-DNA position 100, C replaced by A.
Protein change: p.Pro34Thr; replaces proline 34 with threonine.
Molecular consequence: missense variant.
Genome position (GRCh38, 1-based): chrX:108,539,764, C>A. VCF-style: chrX-108539764-C-A. GRCh37 (hg19) VCF-style: chrX-107782994-C-A.
Other names: c.100C>A, p.Pro34Thr (NM_000495.5); short protein forms P34T.
Identifiers: ClinVar variation 3636310 (VCV003636310.2).
Genomic context (GRCh38, chrX:108,539,764, plus strand): 5'-GTTCATATTTAATGATTTTTTCCCTCTTTCTCTTCCTTATAGGCTTGCTATGGGTGTTCT[C>A]CAGGATCAAAGTGTGACTGCAGTGGCATAAAAGGGGAAAAGGTGAGGTCTTAGATTGGCA-3'
Protein context (NP_203699.1, residues 24-44): AEAAACYGCS[Pro34Thr]GSKCDCSGIK

ClinVar aggregate classification (germline): Uncertain significance (1 of 4 stars; one submission).

Submission:

Labcorp Genetics (formerly Invitae), Labcorp
Classification: Uncertain significance. Last evaluated: 2024-07-21. Review status: criteria provided, single submitter. Criteria: Invitae Variant Classification Sherloc (09022015). Collection method: clinical testing. Allele origin: germline.
Comment: This sequence change replaces proline, which is neutral and non-polar, with threonine, which is neutral and polar, at codon 34 of the COL4A5 protein (p.Pro34Thr). This variant is not present in population databases (gnomAD no frequency). This variant has not been reported in the literature in individuals affected with COL4A5-related conditions. Advanced modeling of protein sequence and biophysical properties (such as structural, functional, and spatial information, amino acid conservation, physicochemical variation, residue mobility, and thermodynamic stability) performed at Invitae indicates that this missense variant is not expected to disrupt COL4A5 protein function with a negative predictive value of 95%. In summary, the available evidence is currently insufficient to determine the role of this variant in disease. Therefore, it has been classified as a Variant of Uncertain Significance.